The following is an entry in ClinVar:

ClinVar aggregate classification (germline): Uncertain significance. Review status: criteria provided, multiple submitters, no conflicts (2 of 4 stars). 2 submissions from 2 submitters: Uncertain significance (2). Last evaluated 2022-08-16.

Allele frequency attached by ClinVar (database versions not stated): ExAC 0.00001; TOPMed 0.00001; gnomAD 0.00002; gnomAD exomes 0.00002 and 0.00003.
gnomAD v4.1: 43 of 1,609,452 alleles (0.0027%); highest among the groups gnomAD compares: Non-Finnish European, 0.0033%; no homozygotes.

Submissions (2):

Labcorp Genetics (formerly Invitae), Labcorp
Classification: Uncertain significance. Last evaluated: 2022-08-16. Review status: criteria provided, single submitter. Criteria: Invitae Variant Classification Sherloc (09022015). Collection method: clinical testing. Allele origin: germline.
Comment: In summary, the available evidence is currently insufficient to determine the role of this variant in disease. Therefore, it has been classified as a Variant of Uncertain Significance. Algorithms developed to predict the effect of missense changes on protein structure and function (SIFT, PolyPhen-2, Align-GVGD) all suggest that this variant is likely to be disruptive. ClinVar contains an entry for this variant (Variation ID: 1474686). This variant has not been reported in the literature in individuals affected with PCARE-related conditions. This variant is present in population databases (rs764330510, gnomAD 0.007%). This sequence change replaces glutamic acid, which is acidic and polar, with lysine, which is basic and polar, at codon 494 of the PCARE protein (p.Glu494Lys).

Blueprint Genetics
Classification: Uncertain significance. Last evaluated: 2022-02-14. Review status: criteria provided, single submitter. Criteria: ACMG Guidelines, 2015. Collection method: clinical testing. Allele origin: germline.

NM_001029883.3(PCARE):c.1480G>A (p.Glu494Lys)

Gene: PCARE (photoreceptor cilium actin regulator; minus strand). Cytogenetic location: 2p23.2.
Variant type: single nucleotide variant.
Coding change: c.1480G>A on transcript NM_001029883.3 (MANE Select); coding-DNA position 1480, G replaced by A.
Protein change: p.Glu494Lys; replaces glutamic acid 494 with lysine.
Molecular consequence: missense variant.
Genome position (GRCh38, 1-based): chr2:29,072,782, C>T on the plus strand (G>A on the coding strand, the complement: PCARE is on the minus strand). VCF-style: chr2-29072782-C-T. GRCh37 (hg19) VCF-style: chr2-29295648-C-T.
Other names: short protein forms E494K.
Identifiers: ClinVar variation 1474686 (VCV001474686.7), dbSNP rs764330510, ClinGen allele CA1592415.